The following is an entry in ClinVar:

ClinVar aggregate classification (germline): Uncertain significance. Review status: criteria provided, multiple submitters, no conflicts (2 of 4 stars). 2 submissions from 2 submitters: Uncertain significance (2). Last evaluated 2024-12-16.

Conditions:
PLXNB3-related disorder. Also called: PLXNB3-related condition.

Allele frequency attached by ClinVar (database versions not stated): gnomAD exomes below 0.00001; ExAC 0.00001; gnomAD 0.00001; TOPMed 0.00002.
gnomAD v4.1: 4 of 1,208,270 alleles (0.00033%); highest among the groups gnomAD compares: Admixed American, 0.0065%; no homozygotes.

Submissions (2):

PreventionGenetics, part of Exact Sciences
Classification: Uncertain significance for PLXNB3-related condition. Last evaluated: 2024-12-16. Review status: criteria provided, single submitter. Criteria: ACMG Guidelines, 2015. Collection method: clinical testing. Allele origin: germline.
Comment: The PLXNB3 c.3073C>T variant is predicted to result in the amino acid substitution p.Arg1025Cys. To our knowledge, this variant has not been reported in the literature. This variant is reported in 0.0037% of alleles in individuals of Latino descent in gnomAD. At this time, the clinical significance of this variant is uncertain due to the absence of conclusive functional and genetic evidence.

Revvity Omics, Revvity
Classification: Uncertain significance. Last evaluated: 2019-01-18. Review status: criteria provided, single submitter. Criteria: ACMG Guidelines, 2015. Collection method: clinical testing. Allele origin: germline.

NM_005393.3(PLXNB3):c.3004C>T (p.Arg1002Cys)

Gene: PLXNB3 (plexin B3; plus strand). Cytogenetic location: Xq28.
Variant type: single nucleotide variant.
Coding change: c.3004C>T on transcript NM_005393.3 (MANE Select); coding-DNA position 3004, C replaced by T.
Protein change: p.Arg1002Cys; replaces arginine 1002 with cysteine.
Molecular consequence: missense variant.
Genome position (GRCh38, 1-based): chrX:153,773,327, C>T. VCF-style: chrX-153773327-C-T. GRCh37 (hg19) VCF-style: chrX-153038782-C-T.
Other names: c.3073C>T (NM_001163257.1); c.3073C>T, p.Arg1025Cys (NM_001163257.2); short protein forms R1002C, R1025C.
Identifiers: ClinVar variation 2689789 (VCV002689789.3), dbSNP rs782755267, ClinGen allele CA337233931.